The following is an entry in ClinVar:

NM_000135.4(FANCA):c.3976C>T (p.Gln1326Ter)

Genes: FANCA (FA complementation group A; minus strand), ZNF276 (zinc finger protein 276; plus strand). Cytogenetic location: 16q24.3.
Variant type: single nucleotide variant.
Coding change: c.3976C>T on transcript NM_000135.4 (MANE Select); coding-DNA position 3976, C replaced by T.
Protein change: p.Gln1326Ter; replaces glutamine 1326 with a stop codon.
Molecular consequence: nonsense. On other transcripts: 3 prime UTR variant (2), non-coding transcript variant (4).
Genome position (GRCh38, 1-based): chr16:89,739,512, G>A on the plus strand (C>T on the coding strand, the complement: FANCA is on the minus strand). VCF-style: chr16-89739512-G-A. GRCh37 (hg19) VCF-style: chr16-89805920-G-A.
Other names: c.3976C>T, p.Gln1326Ter (NM_001286167.3); c.*1266G>A (NM_001113525.2, NM_152287.4); short protein forms Q1326*.
Identifiers: ClinVar variation 2193651 (VCV002193651.4), dbSNP rs764620351, ClinGen allele CA397484803.

ClinVar aggregate classification (germline): Pathogenic (1 of 4 stars; one submission).

Conditions:
Fanconi anemia (FA). Also called: Fanconi's anemia. Identifiers: Orphanet 84, MedGen C0015625, MeSH D005199, MONDO:0019391.

gnomAD v4.1: 1 of 1,551,410 alleles (0.000064%); highest among the groups gnomAD compares: Non-Finnish European, 0.000087%; no homozygotes.

Submission:

Labcorp Genetics (formerly Invitae), Labcorp
Classification: Pathogenic for Fanconi anemia. Last evaluated: 2022-03-30. Review status: criteria provided, single submitter. Criteria: Invitae Variant Classification Sherloc (09022015). Collection method: clinical testing. Allele origin: germline.
Comment: For these reasons, this variant has been classified as Pathogenic. Algorithms developed to predict the effect of sequence changes on RNA splicing suggest that this variant may disrupt the consensus splice site. This premature translational stop signal has been observed in individual(s) with Fanconi anemia (PMID: 12697994). This variant is not present in population databases (gnomAD no frequency). This sequence change creates a premature translational stop signal (p.Gln1326*) in the FANCA gene. It is expected to result in an absent or disrupted protein product. Loss-of-function variants in FANCA are known to be pathogenic (PMID: 19367192).

Literature cited by the submitters: PubMed 12697994; PubMed 19367192.